The following is an entry in ClinVar:

ClinVar aggregate classification (germline): Pathogenic (1 of 4 stars; one submission).

Submission:

Labcorp Genetics (formerly Invitae), Labcorp
Classification: Pathogenic. Last evaluated: 2021-11-18. Review status: criteria provided, single submitter. Criteria: Invitae Variant Classification Sherloc (09022015). Collection method: clinical testing. Allele origin: germline.
Comment: This variant is present in population databases (no rsID available, gnomAD 0.003%). For these reasons, this variant has been classified as Pathogenic. ClinVar contains an entry for this variant (Variation ID: 1075356). This variant has not been reported in the literature in individuals affected with LCA5-related conditions. This sequence change creates a premature translational stop signal (p.Val81Glyfs*9) in the LCA5 gene. It is expected to result in an absent or disrupted protein product. Loss-of-function variants in LCA5 are known to be pathogenic (PMID: 17546029, 23946133).

Literature cited by the submitters: PubMed 17546029; PubMed 23946133.

NM_001122769.3(LCA5):c.240_241del (p.Val81fs)

Gene: LCA5 (lebercilin LCA5; minus strand). Cytogenetic location: 6q14.1.
Variant type: Deletion.
Coding change: c.240_241del on transcript NM_001122769.3 (MANE Select); coding-DNA positions 240 to 241, 2 bases deleted (AG; older notation c.240_241delAG).
Protein change: p.Val81fs; shifts the reading frame from valine 81.
Molecular consequence: frameshift variant.
Genome position (GRCh38, 1-based): chr6:79,513,691-79,513,692, CT deleted on the plus strand (AG on the coding strand, the reverse complement: LCA5 is on the minus strand); deleting any 2 consecutive bases within chr6:79,513,691-79,513,693 gives the same sequence; the c. name uses the placement nearest the transcript's 3' end. VCF-style (leftmost placement, unchanged base first): chr6-79513690-ACT-A. GRCh37 (hg19) VCF-style: chr6-80223407-ACT-A.
Other names: c.240_241del, p.Val81fs (NM_181714.4); short protein forms V81fs.
Identifiers: ClinVar variation 1075356 (VCV001075356.7), dbSNP rs1562106804, ClinGen allele CA568599244.